The following is an entry in ClinVar:

ClinVar aggregate classification (germline): Uncertain significance (1 of 4 stars; one submission).

Conditions:
Neonatal-onset encephalopathy with rigidity and seizures. Also called: Lethal neonatal spasticity-epileptic encephalopathy syndrome. Identifiers: Orphanet 435845, MedGen C3281029, MONDO:0013784, OMIM 614498.

Allele frequency attached by ClinVar (database versions not stated): gnomAD 0.00001.
gnomAD v4.1: 5 of 1,613,382 alleles (0.00031%); highest among the groups gnomAD compares: South Asian, 0.0011%; no homozygotes.

Submission:

Labcorp Genetics (formerly Invitae), Labcorp
Classification: Uncertain significance for Neonatal-onset encephalopathy with rigidity and seizures. Last evaluated: 2022-04-20. Review status: criteria provided, single submitter. Criteria: Invitae Variant Classification Sherloc (09022015). Collection method: clinical testing. Allele origin: germline.
Comment: This variant is not present in population databases (gnomAD no frequency). This variant has not been reported in the literature in individuals affected with BRAT1-related conditions. Algorithms developed to predict the effect of missense changes on protein structure and function output the following: SIFT: "Tolerated"; PolyPhen-2: "Benign"; Align-GVGD: "Class C0". The serine amino acid residue is found in multiple mammalian species, which suggests that this missense change does not adversely affect protein function. This sequence change replaces cysteine, which is neutral and slightly polar, with serine, which is neutral and polar, at codon 706 of the BRAT1 protein (p.Cys706Ser). In summary, the available evidence is currently insufficient to determine the role of this variant in disease. Therefore, it has been classified as a Variant of Uncertain Significance.

NM_152743.4(BRAT1):c.2117G>C (p.Cys706Ser)

Gene: BRAT1 (BRCA1 associated ATM activator 1; minus strand). Cytogenetic location: 7p22.3.
Variant type: single nucleotide variant.
Coding change: c.2117G>C on transcript NM_152743.4 (MANE Select); coding-DNA position 2117, G replaced by C.
Protein change: p.Cys706Ser; replaces cysteine 706 with serine.
Molecular consequence: missense variant. On other transcripts: non-coding transcript variant (1).
Genome position (GRCh38, 1-based): chr7:2,538,418, C>G on the plus strand (G>C on the coding strand, the complement: BRAT1 is on the minus strand). VCF-style: chr7-2538418-C-G. GRCh37 (hg19) VCF-style: chr7-2578052-C-G.
Other names: c.2297G>C, p.Cys766Ser (NM_001350626.2); c.1592G>C, p.Cys531Ser (NM_001350627.2); short protein forms C766S, C531S, C706S.
Identifiers: ClinVar variation 2128563 (VCV002128563.4), dbSNP rs1778856508, ClinGen allele CA366624601.